The following is an entry in ClinVar:

ClinVar aggregate classification (germline): Uncertain significance. Review status: criteria provided, multiple submitters, no conflicts (2 of 4 stars). 2 submissions from 2 submitters: Uncertain significance (2). Last evaluated 2025-01-05.

Allele frequency attached by ClinVar (database versions not stated): gnomAD exomes below 0.00001 and 0.00001; ExAC 0.00002.
gnomAD v4.1: 4 of 1,546,034 alleles (0.00026%); highest among the groups gnomAD compares: Non-Finnish European, 0.00035%; no homozygotes.

Submissions (2):

Ambry Genetics
Classification: Uncertain significance. Last evaluated: 2025-01-05. Review status: criteria provided, single submitter. Criteria: Ambry Variant Classification Scheme 2023. Collection method: clinical testing. Allele origin: germline.
Comment: The p.R904S variant (also known as c.2712A>T), located in coding exon 13 of the GEN1 gene, results from an A to T substitution at nucleotide position 2712. The arginine at codon 904 is replaced by serine, an amino acid with dissimilar properties. This amino acid position is conserved. In addition, the in silico prediction for this alteration is inconclusive. Based on the available evidence, the clinical significance of this variant remains unclear.

Labcorp Genetics (formerly Invitae), Labcorp
Classification: Uncertain significance. Last evaluated: 2023-06-15. Review status: criteria provided, single submitter. Criteria: Invitae Variant Classification Sherloc (09022015). Collection method: clinical testing. Allele origin: germline.
Comment: In summary, the available evidence is currently insufficient to determine the role of this variant in disease. Therefore, it has been classified as a Variant of Uncertain Significance. An algorithm developed to predict the effect of missense changes on protein structure and function (PolyPhen-2) suggests that this variant is likely to be disruptive. ClinVar contains an entry for this variant (Variation ID: 1020649). This variant has not been reported in the literature in individuals affected with GEN1-related conditions. This variant is present in population databases (rs772779339, gnomAD 0.003%). This sequence change replaces arginine, which is basic and polar, with serine, which is neutral and polar, at codon 904 of the GEN1 protein (p.Arg904Ser).

NM_001130009.3(GEN1):c.2712A>T (p.Arg904Ser)

Gene: GEN1 (GEN1 structure-specific endonuclease; plus strand). Cytogenetic location: 2p24.2.
Variant type: single nucleotide variant.
Coding change: c.2712A>T on transcript NM_001130009.3 (MANE Select); coding-DNA position 2712, A replaced by T.
Protein change: p.Arg904Ser; replaces arginine 904 with serine.
Molecular consequence: missense variant.
Genome position (GRCh38, 1-based): chr2:17,781,924, A>T. VCF-style: chr2-17781924-A-T. GRCh37 (hg19) VCF-style: chr2-17963191-A-T.
Other names: c.2712A>T (NM_001130009.1); c.2712A>T, p.Arg904Ser (NM_182625.5); short protein forms R904S.
Identifiers: ClinVar variation 1020649 (VCV001020649.9), dbSNP rs772779339, ClinGen allele CA1541011.